The following is an entry in ClinVar:

ClinVar aggregate classification (germline): Uncertain significance (1 of 4 stars; one submission).

Submission:

Labcorp Genetics (formerly Invitae), Labcorp
Classification: Uncertain significance. Last evaluated: 2024-09-11. Review status: criteria provided, single submitter. Criteria: Invitae Variant Classification Sherloc (09022015). Collection method: clinical testing. Allele origin: germline.
Comment: This sequence change replaces valine, which is neutral and non-polar, with alanine, which is neutral and non-polar, at codon 831 of the MSH3 protein (p.Val831Ala). This variant is not present in population databases (gnomAD no frequency). This variant has not been reported in the literature in individuals affected with MSH3-related conditions. ClinVar contains an entry for this variant (Variation ID: 1483896). An algorithm developed to predict the effect of missense changes on protein structure and function (PolyPhen-2) suggests that this variant is likely to be tolerated. In summary, the available evidence is currently insufficient to determine the role of this variant in disease. Therefore, it has been classified as a Variant of Uncertain Significance.

NM_002439.5(MSH3):c.2492T>C (p.Val831Ala)

Gene: MSH3 (mutS homolog 3; plus strand). Cytogenetic location: 5q14.1.
Variant type: single nucleotide variant.
Coding change: c.2492T>C on transcript NM_002439.5 (MANE Select); coding-DNA position 2492, T replaced by C.
Protein change: p.Val831Ala; replaces valine 831 with alanine.
Molecular consequence: missense variant.
Genome position (GRCh38, 1-based): chr5:80,787,621, T>C. VCF-style: chr5-80787621-T-C. GRCh37 (hg19) VCF-style: chr5-80083440-T-C.
Other names: short protein forms V831A.
Identifiers: ClinVar variation 1483896 (VCV001483896.8), dbSNP rs2112020296, ClinGen allele CA360283238.